The following is an entry in ClinVar:

NM_001710.6(CFB):c.1143C>T (p.Arg381=)

Gene: CFB (complement factor B; plus strand). Cytogenetic location: 6p21.33.
Variant type: single nucleotide variant.
Coding change: c.1143C>T on transcript NM_001710.6 (MANE Select); coding-DNA position 1143, C replaced by T.
Protein change: p.Arg381=; no amino-acid change (arginine 381 retained).
Molecular consequence: synonymous variant.
Genome position (GRCh38, 1-based): chr6:31,948,936, C>T. VCF-style: chr6-31948936-C-T. GRCh37 (hg19) VCF-style: chr6-31916713-C-T.
Other names: p.Arg381=.
Identifiers: ClinVar variation 356285 (VCV000356285.65), dbSNP rs150920440, ClinGen allele CA3728246.
Genomic context (GRCh38, chr6:31,948,936, plus strand): 5'-AGTGTACAGCATGATGAGCTGGCCAGATGACGTCCCTCCTGAAGGCTGGAACCGCACCCG[C>T]CATGTCATCATCCTCATGACTGATGGTCAGAAGGGACCTCTCTCCTGTCCCAGCCTCCCC-3'
Protein context (NP_001701.2, residues 371-391): DVPPEGWNRT[Arg381=]HVIILMTDGL

ClinVar aggregate classification (germline): Benign/Likely benign. Review status: criteria provided, multiple submitters, no conflicts (2 of 4 stars). 11 submissions from 11 submitters: Benign (2); Likely benign (5). 4 of the submissions do not count toward it. Last evaluated 2026-09-17.

Conditions:
CFB-related disorder. Also called: CFB-related condition; CFB-related disorders.
Atypical hemolytic-uremic syndrome. Identifiers: Orphanet 2134, MedGen C2931788, MONDO:0016244.
Atypical hemolytic-uremic syndrome with B factor anomaly. Also called: HEMOLYTIC UREMIC SYNDROME, ATYPICAL, SUSCEPTIBILITY TO, 4; AHUS, SUSCEPTIBILITY TO, 4. Identifiers: Orphanet 2134, MedGen C2752038, MONDO:0013042, OMIM 612924.
Inborn genetic diseases. Identifiers: MedGen C0950123, MeSH D030342.

Allele frequency attached by ClinVar (database versions not stated): 1000 Genomes Project 0.00080; 1000 Genomes Project 30x 0.00109; gnomAD 0.00175; ESP Exome Variant Server 0.00178; gnomAD exomes 0.00181; TOPMed 0.00243; ExAC 0.00244.
gnomAD v4.1: 3,025 of 1,612,996 alleles (0.19%); highest among the groups gnomAD compares: Middle Eastern, 1.6%; 14 homozygotes.

Submissions (11):

Genomenon, Inc
Classification: Likely benign for Atypical hemolytic-uremic syndrome. Last evaluated: 2026-09-17. Review status: criteria provided, single submitter. Criteria: Genomenon Sequence Variant Interpretation Standards - Updated. Collection method: curation. Allele origin: germline. Affected: no.
Comment: CFB c.1143C>T is a synonymous variant that retains Arginine at codon 381. This variant has been reported in the published literature (PMID:37103770). This variant is not predicted to impact splicing. This variant's allele frequency in gnomAD is greater than expected for this disorder. In conclusion, we classify CFB p.Arg381= (c.1143C>T) as a likely benign variant.

Labcorp Genetics (formerly Invitae), Labcorp
Classification: Benign. Last evaluated: 2026-02-04. Review status: criteria provided, single submitter. Criteria: Invitae Variant Classification Sherloc (09022015). Collection method: clinical testing. Allele origin: germline.

CeGaT Center for Human Genetics Tuebingen
Classification: Likely benign. Last evaluated: 2025-11-01. Review status: criteria provided, single submitter. Criteria: CeGaT Center For Human Genetics Tuebingen Variant Classification Criteria Version 2. Collection method: clinical testing. Allele origin: germline. Affected: yes. Observed: 7 variant alleles.
Comment: CFB: BP4, BS2

Ambry Genetics
Classification: Likely benign for Inborn genetic diseases. Last evaluated: 2025-06-18. Review status: criteria provided, single submitter. Criteria: Ambry Variant Classification Scheme 2023. Collection method: clinical testing. Allele origin: germline.

Mayo Clinic Laboratories, Mayo Clinic
Classification: Likely benign. Last evaluated: 2025-03-25. Review status: criteria provided, single submitter. Criteria: ACMG Guidelines, 2015. Collection method: clinical testing. Allele origin: germline. Observed: 18 variant alleles.
Comment: BP4, BP7

Genome Diagnostics Laboratory, The Hospital for Sick Children
Classification: Likely benign for Atypical hemolytic-uremic syndrome. Last evaluated: 2021-02-16. Review status: criteria provided, single submitter. Criteria: ACMG Guidelines, 2015. Collection method: clinical testing. Allele origin: germline.

Illumina Laboratory Services, Illumina
Classification: Benign for Atypical hemolytic-uremic syndrome with B factor anomaly. Last evaluated: 2018-01-13. Review status: criteria provided, single submitter. Criteria: ICSL Variant Classification Criteria 13 December 2019. Collection method: clinical testing. Allele origin: germline.
Comment: This variant was observed in the ICSL laboratory as part of a predisposition screen in an ostensibly healthy population. It had not been previously curated by ICSL or reported in the Human Gene Mutation Database (HGMD: prior to June 1st, 2018), and was therefore a candidate for classification through an automated scoring system. Utilizing variant allele frequency, disease prevalence and penetrance estimates, and inheritance mode, an automated score was calculated to assess if this variant is too frequent to cause the disease. Based on the score and internal cut-off values, a variant classified as benign is not then subjected to further curation. The score for this variant resulted in a classification of benign for this disease.

PreventionGenetics, part of Exact Sciences
Classification: Likely benign for CFB-related condition. Last evaluated: 2020-04-01. Review status: no assertion criteria provided. Collection method: clinical testing. Allele origin: germline. Not counted in ClinVar's aggregate classification.
Comment: This variant is classified as likely benign based on ACMG/AMP sequence variant interpretation guidelines (Richards et al. 2015 PMID: 25741868, with internal and published modifications).

Clinical Genetics DNA and cytogenetics Diagnostics Lab, Erasmus MC, Erasmus Medical Center
Classification: Likely benign. Review status: no assertion criteria provided. Collection method: clinical testing. Allele origin: germline. Affected: yes. Study: VKGL Data-share Consensus. Not counted in ClinVar's aggregate classification.

Genome Diagnostics Laboratory, University Medical Center Utrecht
Classification: Likely benign. Review status: no assertion criteria provided. Collection method: clinical testing. Allele origin: germline. Affected: yes. Study: VKGL Data-share Consensus. Not counted in ClinVar's aggregate classification.

Joint Genome Diagnostic Labs from Nijmegen and Maastricht, Radboudumc and MUMC+
Classification: Likely benign. Review status: no assertion criteria provided. Collection method: clinical testing. Allele origin: germline. Affected: yes. Study: VKGL Data-share Consensus. Not counted in ClinVar's aggregate classification.

Literature cited by the submitters: PubMed 37103770 (cited by Genomenon, Inc).